The following is an entry in ClinVar:

ClinVar aggregate classification (germline): Pathogenic/Likely pathogenic. Review status: criteria provided, multiple submitters, no conflicts (2 of 4 stars). 3 submissions from 2 submitters: Pathogenic (1); Likely pathogenic (2). Last evaluated 2021-10-02.

Conditions:
Congenital muscular hypertrophy-cerebral syndrome (CDLS2). Also called: Cornelia de Lange syndrome 2; SMC1A-Related Cornelia de Lange Syndrome. Identifiers: Orphanet 199, MedGen C1802395, MONDO:0010370, OMIM 300590.
Intellectual disability. Also called: intellectual disabilities; Intellectual developmental disorder; Intellectual functioning disability. Identifiers: MedGen C3714756, MeSH D008607, MONDO:0001071, HP:0001249.

Submissions (3):

3billion
Classification: Pathogenic for Congenital muscular hypertrophy-cerebral syndrome. Last evaluated: 2021-10-02. Review status: criteria provided, single submitter. Criteria: ACMG Guidelines, 2015. Collection method: clinical testing. Allele origin: germline. Affected: yes. Observed: 1 heterozygote.
Comment: Stop-gained (nonsense): predicted to result in a loss or disruption of normal protein function through nonsense-mediated decay (NMD) or protein truncation. Multiple pathogenic variants are reported downstream of the variant (PVS1_VS). The variant was observed as assumed (i.e. paternity and maternity not confirmed) de novoo (3billion dataset, PM6). It is not observed in the gnomAD v2.1.1 dataset (PM2). The variant has been reported as pathogenic (ClinVar ID: VCV000975860.2).Therefore, this variant is classified as pathogenic according to the recommendation of ACMG/AMP guideline.

Institute of Human Genetics, University of Leipzig Medical Center
Classification: Likely pathogenic for Intellectual disability. Last evaluated: 2020-08-03. Review status: criteria provided, single submitter. Criteria: ACMG Guidelines, 2015. Collection method: clinical testing. Allele origin: unknown. Affected: yes.
Comment: Inheritance for this variant was unknown. The variant likely explains the NDD in this individual.

Institute of Human Genetics, University of Leipzig Medical Center
Classification: Likely pathogenic for Congenital muscular hypertrophy-cerebral syndrome. Last evaluated: 2019-04-30. Review status: criteria provided, single submitter. Criteria: ACMG Guidelines, 2015. Collection method: clinical testing. Allele origin: germline. Affected: yes. Observed: 1 variant allele.

NM_006306.4(SMC1A):c.2611C>T (p.Gln871Ter)

Gene: SMC1A (structural maintenance of chromosomes 1A; minus strand). Cytogenetic location: Xp11.22.
Variant type: single nucleotide variant.
Coding change: c.2611C>T on transcript NM_006306.4 (MANE Select); coding-DNA position 2611, C replaced by T.
Protein change: p.Gln871Ter; replaces glutamine 871 with a stop codon.
Molecular consequence: nonsense.
Genome position (GRCh38, 1-based): chrX:53,396,569, G>A on the plus strand (C>T on the coding strand, the complement: SMC1A is on the minus strand). VCF-style: chrX-53396569-G-A. GRCh37 (hg19) VCF-style: chrX-53423489-G-A.
Other names: c.2545C>T, p.Gln849Ter (NM_001281463.1); short protein forms Q849*, Q871*.
Identifiers: ClinVar variation 975860 (VCV000975860.3), dbSNP rs2075652085, ClinGen allele CA413248882.